The following is an entry in ClinVar:

NM_032043.3(BRIP1):c.400C>A (p.Leu134Met)

Gene: BRIP1 (BRCA1 interacting DNA helicase 1; minus strand). Cytogenetic location: 17q23.2.
Variant type: single nucleotide variant.
Coding change: c.400C>A on transcript NM_032043.3 (MANE Select); coding-DNA position 400, C replaced by A.
Protein change: p.Leu134Met; replaces leucine 134 with methionine.
Molecular consequence: missense variant.
Genome position (GRCh38, 1-based): chr17:61,849,236, G>T on the plus strand (C>A on the coding strand, the complement: BRIP1 is on the minus strand). VCF-style: chr17-61849236-G-T. GRCh37 (hg19) VCF-style: chr17-59926597-G-T.
Other names: short protein forms L134M.
Identifiers: ClinVar variation 229788 (VCV000229788.31), dbSNP rs876658195, ClinGen allele CA10580879.
Genomic context (GRCh38, chr17:61,849,236, plus strand): 5'-AATCATCATTTTCATCTCTGTATATGGATGCCTGTTTCTTAGCAGATAACTTTGCAGCCA[G>T]AGTGGTTTTTTCAGGGGAGTCTTATATAAGTAATTTAAAAAAAACAGCATAAATAACTTA-3'
Protein context (NP_114432.2, residues 124-144): TCQDSPEKTT[Leu134Met]AAKLSAKKQA

ClinVar aggregate classification (germline): Conflicting classifications of pathogenicity. Review status: criteria provided, conflicting classifications (1 of 4 stars). 10 submissions from 10 submitters: Uncertain significance (9); Likely benign (1). Last evaluated 2026-05-12.

Conditions:
Familial ovarian cancer. Identifiers: MedGen C5679802, MONDO:0016248.
BRIP1-related disorder. Also called: BRIP1-related condition; BRIP1-related disorders. Identifiers: MedGen CN239206.
Hereditary cancer-predisposing syndrome. Also called: Neoplastic Syndromes, Hereditary; Tumor predisposition; Hereditary Cancer Syndrome; Hereditary neoplastic syndrome. Identifiers: Orphanet 140162, MedGen C0027672, MeSH D009386, MONDO:0015356.
Fanconi anemia complementation group J. Also called: BRIP1-Related Fanconi Anemia. Identifiers: Orphanet 84, MedGen C1836860, MONDO:0012187, OMIM 609054.
Familial cancer of breast. Also called: hereditary breast carcinoma; BREAST CANCER, FAMILIAL; Hereditary breast cancer. Identifiers: Orphanet 227535, MedGen C0346153, MONDO:0016419, OMIM 114480. Disease mechanism: loss of function.

Allele frequency attached by ClinVar (database versions not stated): gnomAD 0.00004 and 0.00005.
gnomAD v4.1: 10 of 1,612,872 alleles (0.00062%); highest among the groups gnomAD compares: Admixed American, 0.012%; no homozygotes.

Submissions (10):

PreventionGenetics, part of Exact Sciences
Classification: Uncertain significance for BRIP1-related condition. Last evaluated: 2026-05-12. Review status: criteria provided, single submitter. Criteria: ACMG Guidelines, 2015. Collection method: clinical testing. Allele origin: germline.
Comment: The BRIP1 c.400C>A variant is predicted to result in the amino acid substitution p.Leu134Met. This variant was reported in an individual with ovarian cancer (Supp. Table 4, Ramus et al. 2015. PubMed ID: 26315354). This variant has not been reported in a large population database (gnomAD), indicating this variant is rare. This variant has conflicting interpretations in ClinVar ranging from uncertain to likely benign (Variation ID: 229788). At this time, the clinical significance of this variant is uncertain due to the absence of conclusive functional and genetic evidence.

Labcorp Genetics (formerly Invitae), Labcorp
Classification: Likely benign for Familial cancer of breast; Fanconi anemia complementation group J. Last evaluated: 2026-01-20. Review status: criteria provided, single submitter. Criteria: Invitae Variant Classification Sherloc (09022015). Collection method: clinical testing. Allele origin: germline.

Ambry Genetics
Classification: Uncertain significance for Hereditary cancer-predisposing syndrome. Last evaluated: 2025-09-27. Review status: criteria provided, single submitter. Criteria: Ambry Variant Classification Scheme 2023. Collection method: clinical testing. Allele origin: germline.
Comment: The p.L134M variant (also known as c.400C>A), located in coding exon 4 of the BRIP1 gene, results from a C to A substitution at nucleotide position 400. The leucine at codon 134 is replaced by methionine, an amino acid with highly similar properties. In one study, this alteration was observed in 1/3236 cases with invasive epithelial ovarian cancer and 0/3431 controls (Ramus SJ et al. J. Natl. Cancer Inst. 2015 Nov;107). This amino acid position is highly conserved in available vertebrate species. In addition, this alteration is predicted to be tolerated by in silico analysis. Since supporting evidence is limited at this time, the clinical significance of this alteration remains unclear.

Quest Diagnostics Nichols Institute San Juan Capistrano
Classification: Uncertain significance. Last evaluated: 2025-05-05. Review status: criteria provided, single submitter. Criteria: Quest Diagnostics criteria. Collection method: clinical testing. Allele origin: unknown.
Comment: The BRIP1 c.400C>A (p.Leu134Met) variant has been reported in the published literature in an individual with ovarian cancer (PMID: 26315354 (2015)) and in reportedly unaffected individuals (PMID: 33471991 (2021), see also LOVD). The frequency of this variant in the general population (Genome Aggregation Database) is higher than would generally be expected for pathogenic variants in this gene. Analysis of this variant using bioinformatics tools for the prediction of the effect of amino acid changes on protein structure and function yielded conflicting predictions that this variant is benign or damaging. Based on the available information, we are unable to determine the clinical significance of this variant.

Department of Pathology and Laboratory Medicine, Sinai Health System
Classification: Uncertain significance for Familial cancer of breast. Last evaluated: 2024-12-02. Review status: criteria provided, single submitter. Criteria: ACMG Guidelines, 2015. Collection method: clinical testing. Allele origin: germline. Affected: yes.

Molecular Pathology, Peter Maccallum Cancer Centre
Classification: Uncertain significance for Familial ovarian cancer. Last evaluated: 2024-11-19. Review status: criteria provided, single submitter. Criteria: ACMG Guidelines, 2015. Collection method: clinical testing. Allele origin: germline. Inheritance: Autosomal dominant inheritance.

GeneDx
Classification: Uncertain significance. Last evaluated: 2024-10-22. Review status: criteria provided, single submitter. Criteria: GeneDx Variant Classification Process June 2021. Collection method: clinical testing. Allele origin: germline. Affected: yes.
Comment: Not observed at significant frequency in large population cohorts (gnomAD); In silico analysis indicates that this missense variant does not alter protein structure/function; Identified in patient(s) with ovarian cancer (PMID: 26315354); This variant is associated with the following publications: (PMID: 26315354)

Baylor Genetics
Classification: Uncertain significance for Familial cancer of breast. Last evaluated: 2023-10-01. Review status: criteria provided, single submitter. Criteria: ACMG Guidelines, 2015. Collection method: clinical testing. Allele origin: unknown.

Color Diagnostics, LLC DBA Color Health
Classification: Uncertain significance for Hereditary cancer-predisposing syndrome. Last evaluated: 2023-05-23. Review status: criteria provided, single submitter. Criteria: ACMG Guidelines, 2015. Collection method: clinical testing. Allele origin: germline.
Comment: This missense variant replaces leucine with methionine at codon 134 of the BRIP1 protein. Computational prediction suggests that this variant may not impact protein structure and function (internally defined REVEL score threshold <= 0.5, PMID: 27666373). To our knowledge, functional studies have not been reported for this variant. This variant has been reported in an individual affected with ovarian cancer (PMID: 26315354). This variant has not been identified in the general population by the Genome Aggregation Database (gnomAD). The available evidence is insufficient to determine the role of this variant in disease conclusively. Therefore, this variant is classified as a Variant of Uncertain Significance.

Genetics and Molecular Pathology, SA Pathology
Classification: Uncertain significance for Familial cancer of breast. Last evaluated: 2021-11-10. Review status: criteria provided, single submitter. Criteria: ACMG Guidelines, 2015. Collection method: clinical testing. Allele origin: germline. Affected: yes.
Comment: The BRIP1 c.400C>A variant is classified as VUS (PM2) PP3 not applied due to conflicting evidence

Literature cited by the submitters: PubMed 26315354 (cited by 4 submitters); PubMed 33471991 (cited by Quest Diagnostics Nichols Institute San Juan Capistrano).